The following is an entry in ClinVar:

ClinVar aggregate classification (germline): Benign/Likely benign. Review status: criteria provided, multiple submitters, no conflicts (2 of 4 stars). 9 submissions from 9 submitters: Benign (8); Likely benign (1). Last evaluated 2026-02-04.

Conditions:
Charcot-Marie-Tooth disease. Also called: Charcot-Marie-Tooth Neuropathy; Charcot-Marie-Tooth Hereditary Neuropathy. Identifiers: Orphanet 166, MedGen C0007959, MONDO:0015626.
Charcot-Marie-Tooth disease type 4H (CMT4H). Also called: CHARCOT-MARIE-TOOTH DISEASE, AUTOSOMAL RECESSIVE, TYPE 4H; CHARCOT-MARIE-TOOTH DISEASE, DEMYELINATING, AUTOSOMAL RECESSIVE, TYPE 4H; CHARCOT-MARIE-TOOTH NEUROPATHY, TYPE 4H; CHARCOT-MARIE-TOOTH DISEASE, DEMYELINATING, TYPE 4H. Identifiers: Orphanet 99954, MedGen C1836336, MONDO:0012250, OMIM 609311.
Charcot-Marie-Tooth disease type 4. Also called: Charcot-Marie-Tooth disease, type IV; Charcot-Marie-Tooth, Type 4. Identifiers: Orphanet 64749, MedGen C4082197, MONDO:0018995.

Allele frequency attached by ClinVar (database versions not stated): 1000 Genomes Project 0.46705; 1000 Genomes Project 30x 0.47502; ESP Exome Variant Server 0.49892; TOPMed 0.49946.
gnomAD v4.1: 649,604 of 1,613,920 alleles (40%); highest among the groups gnomAD compares: African/African-American, 69%; 135,666 homozygotes.

Submissions (9):

Labcorp Genetics (formerly Invitae), Labcorp
Classification: Benign for Charcot-Marie-Tooth disease type 4. Last evaluated: 2026-02-04. Review status: criteria provided, single submitter. Criteria: Invitae Variant Classification Sherloc (09022015). Collection method: clinical testing. Allele origin: germline.

Blueprint Genetics
Classification: Likely benign. Last evaluated: 2024-11-27. Review status: criteria provided, single submitter. Criteria: ACMG Guidelines, 2015. Collection method: clinical testing. Allele origin: germline.

Genome-Nilou Lab
Classification: Benign for Charcot-Marie-Tooth disease type 4H. Last evaluated: 2021-08-10. Review status: criteria provided, single submitter. Criteria: ACMG Guidelines, 2015. Collection method: clinical testing. Allele origin: germline. Affected: no.

Illumina Laboratory Services, Illumina
Classification: Benign for Charcot-Marie-Tooth disease type 4H. Last evaluated: 2018-01-12. Review status: criteria provided, single submitter. Criteria: ICSL Variant Classification Criteria 13 December 2019. Collection method: clinical testing. Allele origin: germline.
Comment: This variant was observed in the ICSL laboratory as part of a predisposition screen in an ostensibly healthy population. It had not been previously curated by ICSL or reported in the Human Gene Mutation Database (HGMD: prior to June 1st, 2018), and was therefore a candidate for classification through an automated scoring system. Utilizing variant allele frequency, disease prevalence and penetrance estimates, and inheritance mode, an automated score was calculated to assess if this variant is too frequent to cause the disease. Based on the score and internal cut-off values, a variant classified as benign is not then subjected to further curation. The score for this variant resulted in a classification of benign for this disease.

Athena Diagnostics
Classification: Benign. Last evaluated: 2017-07-12. Review status: criteria provided, single submitter. Criteria: Athena Diagnostics Criteria. Collection method: clinical testing. Allele origin: germline.

Mayo Clinic Laboratories, Mayo Clinic
Classification: Benign. Last evaluated: 2016-03-02. Review status: criteria provided, single submitter. Criteria: ACMG Guidelines, 2015. Collection method: clinical testing. Allele origin: germline. Observed: 1,291 variant alleles.

GeneDx
Classification: Benign. Last evaluated: 2015-03-03. Review status: criteria provided, single submitter. Criteria: GeneDx Variant Classification Process June 2021. Collection method: clinical testing. Allele origin: germline. Affected: yes.

Breakthrough Genomics
Classification: Benign. Review status: criteria provided, single submitter. Criteria: ACMG Guidelines, 2015. Collection method: not provided. Allele origin: germline. Inheritance: Autosomal recessive inheritance. Affected: yes.

Molecular Genetics Laboratory, London Health Sciences Centre
Classification: Benign for Charcot-Marie-Tooth disease. Review status: criteria provided, single submitter. Criteria: ACMG Guidelines, 2015. Collection method: clinical testing. Allele origin: germline. Affected: yes.

NM_001370298.3(FGD4):c.846C>T (p.Asp282=)

Gene: FGD4 (FYVE, RhoGEF and PH domain containing 4; plus strand). Cytogenetic location: 12p11.21.
Variant type: single nucleotide variant.
Coding change: c.846C>T on transcript NM_001370298.3 (MANE Select); coding-DNA position 846, C replaced by T.
Protein change: p.Asp282=; no amino-acid change (aspartic acid 282 retained).
Molecular consequence: synonymous variant. On other transcripts: 5 prime UTR variant (2), non-coding transcript variant (1), intron variant (1).
Genome position (GRCh38, 1-based): chr12:32,582,302, C>T. VCF-style: chr12-32582302-C-T. GRCh37 (hg19) VCF-style: chr12-32735236-C-T.
Other names: p.Asp145=; c.690C>T, p.Asp230= (NM_001304481.2); c.-410C>T (NM_001304483.2); c.-717C>T (NM_001304484.2); c.156C>T, p.Asp52= (NM_001330373.2, NM_001330374.2, NM_001384130.1); c.846C>T, p.Asp282= (NM_001384126.1); c.435C>T, p.Asp145= (NM_001384127.1, NM_001384128.1, NM_001384131.1 and 3 more transcripts); c.49-16195C>T (NM_001370297.1).
Identifiers: ClinVar variation 308287 (VCV000308287.22), dbSNP rs904582, ClinGen allele CA6506635.